The following is an entry in ClinVar:

NM_014283.5(SUCO):c.1106A>G (p.Tyr369Cys)

Gene: SUCO (SUN domain containing ossification factor; plus strand). Cytogenetic location: 1q24.3.
Variant type: single nucleotide variant.
Coding change: c.1106A>G on transcript NM_014283.5 (MANE Select); coding-DNA position 1106, A replaced by G.
Protein change: p.Tyr369Cys; replaces tyrosine 369 with cysteine.
Molecular consequence: missense variant. On other transcripts: 5 prime UTR variant (1).
Genome position (GRCh38, 1-based): chr1:172,573,947, A>G. VCF-style: chr1-172573947-A-G. GRCh37 (hg19) VCF-style: chr1-172543087-A-G.
Other names: c.995A>G, p.Tyr332Cys (NM_001282750.2); c.-424A>G (NM_001282751.2); c.1580A>G, p.Tyr527Cys (NM_016227.4); short protein forms Y369C, Y527C, Y332C.
Identifiers: ClinVar variation 3712825 (VCV003712825.2).

ClinVar aggregate classification (germline): Uncertain significance (1 of 4 stars; one submission).

Submission:

Labcorp Genetics (formerly Invitae), Labcorp
Classification: Uncertain significance. Last evaluated: 2024-12-14. Review status: criteria provided, single submitter. Criteria: Invitae Variant Classification Sherloc (09022015). Collection method: clinical testing. Allele origin: germline.
Comment: This sequence change replaces tyrosine, which is neutral and polar, with cysteine, which is neutral and slightly polar, at codon 369 of the SUCO protein (p.Tyr369Cys). This variant is present in population databases (no rsID available, gnomAD 0.007%). This variant has not been reported in the literature in individuals affected with SUCO-related conditions. An algorithm developed to predict the effect of missense changes on protein structure and function (PolyPhen-2) suggests that this variant is likely to be disruptive. In summary, the available evidence is currently insufficient to determine the role of this variant in disease. Therefore, it has been classified as a Variant of Uncertain Significance.